The following is an entry in ClinVar:

ClinVar aggregate classification (germline): Uncertain significance (1 of 4 stars; one submission).

Conditions:
Arginase deficiency. Also called: ARGININEMIA; ARG1 DEFICIENCY; Arginase 1 Deficiency. Identifiers: Orphanet 90, MedGen C0268548, MONDO:0008814, OMIM 207800.

gnomAD v4.1: 1 of 1,614,126 alleles (0.000062%); no homozygotes.

Submission:

Labcorp Genetics (formerly Invitae), Labcorp
Classification: Uncertain significance for Arginase deficiency. Last evaluated: 2022-03-09. Review status: criteria provided, single submitter. Criteria: Invitae Variant Classification Sherloc (09022015). Collection method: clinical testing. Allele origin: germline.
Comment: This sequence change replaces alanine, which is neutral and non-polar, with valine, which is neutral and non-polar, at codon 307 of the ARG1 protein (p.Ala307Val). This variant is not present in population databases (gnomAD no frequency). This variant has not been reported in the literature in individuals affected with ARG1-related conditions. Algorithms developed to predict the effect of missense changes on protein structure and function (SIFT, PolyPhen-2, Align-GVGD) all suggest that this variant is likely to be tolerated. In summary, the available evidence is currently insufficient to determine the role of this variant in disease. Therefore, it has been classified as a Variant of Uncertain Significance.

NM_000045.4(ARG1):c.920C>T (p.Ala307Val)

Genes: ARG1 (arginase 1; plus strand), MED23 (mediator complex subunit 23; minus strand). Cytogenetic location: 6q23.2.
Variant type: single nucleotide variant.
Coding change: c.920C>T on transcript NM_000045.4 (MANE Select); coding-DNA position 920, C replaced by T.
Protein change: p.Ala307Val; replaces alanine 307 with valine.
Molecular consequence: missense variant. On other transcripts: non-coding transcript variant (1), intron variant (2).
Genome position (GRCh38, 1-based): chr6:131,583,859, C>T. VCF-style: chr6-131583859-C-T. GRCh37 (hg19) VCF-style: chr6-131904999-C-T.
Other names: c.944C>T, p.Ala315Val (NM_001244438.2); c.665C>T, p.Ala222Val (NM_001369020.1); c.4077+3850G>A (NM_001270521.2); c.4095+3850G>A (NM_015979.4); short protein forms A315V, A307V, A222V.
Identifiers: ClinVar variation 1918030 (VCV001918030.4), dbSNP rs774505525, ClinGen allele CA3999409.